The following is an entry in ClinVar:

ClinVar aggregate classification (germline): Likely benign. Review status: criteria provided, multiple submitters, no conflicts (2 of 4 stars). 3 submissions from 3 submitters: Likely benign (2). 1 of the submissions does not count toward it. Last evaluated 2025-12-12.

Conditions:
Chédiak-Higashi syndrome (CHS). Also called: Chediak-Higashi Syndrome. Identifiers: Orphanet 167, MedGen C0007965, MONDO:0008963, OMIM 214500.
LYST-related disorder. Also called: LYST-related condition.

Allele frequency attached by ClinVar (database versions not stated): gnomAD 0.00001; TOPMed 0.00002.
gnomAD v4.1: 18 of 1,613,516 alleles (0.0011%); highest among the groups gnomAD compares: Admixed American, 0.0033%; no homozygotes.

Submissions (3):

Labcorp Genetics (formerly Invitae), Labcorp
Classification: Likely benign for Chédiak-Higashi syndrome. Last evaluated: 2025-12-12. Review status: criteria provided, single submitter. Criteria: Invitae Variant Classification Sherloc (09022015). Collection method: clinical testing. Allele origin: germline.

Blueprint Genetics
Classification: Likely benign. Last evaluated: 2024-05-16. Review status: criteria provided, single submitter. Criteria: ACMG Guidelines, 2015. Collection method: clinical testing. Allele origin: germline.

PreventionGenetics, part of Exact Sciences
Classification: Likely benign for LYST-related condition. Last evaluated: 2021-04-01. Review status: no assertion criteria provided. Collection method: clinical testing. Allele origin: germline. Not counted in ClinVar's aggregate classification.
Comment: This variant is classified as likely benign based on ACMG/AMP sequence variant interpretation guidelines (Richards et al. 2015 PMID: 25741868, with internal and published modifications).

NM_000081.4(LYST):c.9387C>T (p.Thr3129=)

Gene: LYST (lysosomal trafficking regulator; minus strand). Cytogenetic location: 1q42.3.
Variant type: single nucleotide variant.
Coding change: c.9387C>T on transcript NM_000081.4 (MANE Select); coding-DNA position 9387, C replaced by T.
Protein change: p.Thr3129=; no amino-acid change (threonine 3129 retained).
Molecular consequence: synonymous variant.
Genome position (GRCh38, 1-based): chr1:235,720,834, G>A on the plus strand (C>T on the coding strand, the complement: LYST is on the minus strand). VCF-style: chr1-235720834-G-A. GRCh37 (hg19) VCF-style: chr1-235884134-G-A.
Other names: c.9387C>T, p.Thr3129= (NM_001301365.1); c.9387C>T (NM_000081.3).
Identifiers: ClinVar variation 1101664 (VCV001101664.10), dbSNP rs749041963, ClinGen allele CA1465595.